The following is an entry in ClinVar:

ClinVar aggregate classification (germline): Uncertain significance (1 of 4 stars; one submission).

Submission:

GeneDx
Classification: Uncertain significance. Last evaluated: 2023-12-18. Review status: criteria provided, single submitter. Criteria: GeneDx Variant Classification Process June 2021. Collection method: clinical testing. Allele origin: germline. Affected: yes.
Comment: Not observed at significant frequency in large population cohorts (gnomAD); In silico analysis supports that this missense variant has a deleterious effect on protein structure/function; Has not been previously published as pathogenic or benign to our knowledge

NM_001363066.2(CLDN5):c.468G>T (p.Gln156His)

Gene: CLDN5 (claudin 5; minus strand). Cytogenetic location: 22q11.21.
Variant type: single nucleotide variant.
Coding change: c.468G>T on transcript NM_001363066.2 (MANE Select); coding-DNA position 468, G replaced by T.
Protein change: p.Gln156His; replaces glutamine 156 with histidine.
Molecular consequence: missense variant.
Genome position (GRCh38, 1-based): chr22:19,523,788, C>A on the plus strand (G>T on the coding strand, the complement: CLDN5 is on the minus strand). VCF-style: chr22-19523788-C-A. GRCh37 (hg19) VCF-style: chr22-19511311-C-A.
Other names: c.723G>T, p.Gln241His (NM_001130861.1, NM_001363067.2, NM_003277.4); short protein forms Q156H, Q241H.
Identifiers: ClinVar variation 3365727 (VCV003365727.1).
Genomic context (GRCh38, chr22:19,523,788, plus strand): 5'-TACCATGAGCAGCGCGGTGGCCGCCCAGCCGATGTACAGCGCTGCGCCCAGCTCGTACTT[C>A]TGCGACACGGGCACAGACGGGTCGTAAAACTCGCGGACGACAATGTTGGCGAACCAGCAG-3'
Protein context (NP_001349995.1, residues 146-166): EFYDPSVPVS[Gln156His]KYELGAALYI